The following is an entry in ClinVar:

NM_015166.4(MLC1):c.882G>A (p.Pro294=)

Gene: MLC1 (modulator of VRAC current 1; minus strand). Cytogenetic location: 22q13.33.
Variant type: single nucleotide variant.
Coding change: c.882G>A on transcript NM_015166.4 (MANE Select); coding-DNA position 882, G replaced by A.
Protein change: p.Pro294=; no amino-acid change (proline 294 retained).
Molecular consequence: synonymous variant. On other transcripts: non-coding transcript variant (3).
Genome position (GRCh38, 1-based): chr22:50,068,445, C>T on the plus strand (G>A on the coding strand, the complement: MLC1 is on the minus strand). VCF-style: chr22-50068445-C-T. GRCh37 (hg19) VCF-style: chr22-50506874-C-T.
Other names: c.882G>A, p.Pro294= (NM_001376472.1, NM_001376473.1, NM_001376474.1 and 5 more transcripts); c.825G>A, p.Pro275= (NM_001376479.1); c.792G>A, p.Pro264= (NM_001376480.1); c.780G>A, p.Pro260= (NM_001376481.1); c.726G>A, p.Pro242= (NM_001376482.1, NM_001376483.1); c.645G>A, p.Pro215= (NM_001376484.1).
Identifiers: ClinVar variation 792483 (VCV000792483.15), dbSNP rs200163312, ClinGen allele CA10303333.

ClinVar aggregate classification (germline): Likely benign. Review status: criteria provided, multiple submitters, no conflicts (2 of 4 stars). 4 submissions from 4 submitters: Likely benign (2). 2 of the submissions do not count toward it. Last evaluated 2026-01-14.

Conditions:
Megalencephalic leukoencephalopathy with subcortical cysts 1 (MLC1). Also called: VACUOLATING MEGALENCEPHALIC LEUKOENCEPHALOPATHY WITH SUBCORTICAL CYSTS; LEUKOENCEPHALOPATHY WITH SWELLING AND CYSTS. Identifiers: Orphanet 2478, MedGen C5779875, MONDO:0024555, OMIM 604004.
MLC1-related disorder. Also called: MLC1-related condition.
Megalencephalic leukoencephalopathy with subcortical cysts. Also called: VAN DER KNAAP DISEASE. Identifiers: Orphanet 2478, MedGen C1858854, MONDO:0011391.

Allele frequency attached by ClinVar (database versions not stated): gnomAD 0.00001 and 0.00003; gnomAD exomes 0.00002 and 0.00007; TOPMed 0.00004; 1000 Genomes Project 30x 0.00031.
gnomAD v4.1: 38 of 1,608,738 alleles (0.0024%); highest among the groups gnomAD compares: East Asian, 0.07%; no homozygotes.

Submissions (4):

Labcorp Genetics (formerly Invitae), Labcorp
Classification: Likely benign. Last evaluated: 2026-01-14. Review status: criteria provided, single submitter. Criteria: Invitae Variant Classification Sherloc (09022015). Collection method: clinical testing. Allele origin: germline.

Fulgent Genetics
Classification: Likely benign for Megalencephalic leukoencephalopathy with subcortical cysts 1. Last evaluated: 2021-07-16. Review status: criteria provided, single submitter. Criteria: ACMG Guidelines, 2015. Collection method: clinical testing. Allele origin: unknown.

Natera, Inc.
Classification: Uncertain significance for Megalencephalic leukoencephalopathy with subcortical cysts. Last evaluated: 2020-01-24. Review status: no assertion criteria provided. Collection method: clinical testing. Allele origin: germline. Not counted in ClinVar's aggregate classification.

PreventionGenetics, part of Exact Sciences
Classification: Likely benign for MLC1-related condition. Last evaluated: 2019-05-13. Review status: no assertion criteria provided. Collection method: clinical testing. Allele origin: germline. Not counted in ClinVar's aggregate classification.
Comment: This variant is classified as likely benign based on ACMG/AMP sequence variant interpretation guidelines (Richards et al. 2015 PMID: 25741868, with internal and published modifications).